The following is an entry in ClinVar:

ClinVar aggregate classification (germline): Uncertain significance (1 of 4 stars; one submission).

Submission:

GeneDx
Classification: Uncertain significance. Last evaluated: 2024-12-17. Review status: criteria provided, single submitter. Criteria: GeneDx Variant Classification Process June 2021. Collection method: clinical testing. Allele origin: germline. Affected: yes.
Comment: Not observed at significant frequency in large population cohorts (gnomAD); Has not been previously published as pathogenic or benign to our knowledge; In silico analysis suggests this variant may impact gene splicing. In the absence of RNA/functional studies, the actual effect of this sequence change is unknown.

NM_138694.4(PKHD1):c.7941T>A (p.Pro2647=)

Gene: PKHD1 (PKHD1 ciliary IPT domain containing fibrocystin/polyductin; minus strand). Cytogenetic location: 6p12.2.
Variant type: single nucleotide variant.
Coding change: c.7941T>A on transcript NM_138694.4 (MANE Select); coding-DNA position 7941, T replaced by A.
Protein change: p.Pro2647=; no amino-acid change (proline 2647 retained).
Molecular consequence: synonymous variant.
Genome position (GRCh38, 1-based): chr6:51,847,941, A>T on the plus strand (T>A on the coding strand, the complement: PKHD1 is on the minus strand). VCF-style: chr6-51847941-A-T. GRCh37 (hg19) VCF-style: chr6-51712739-A-T.
Other names: c.7941T>A, p.Pro2647= (NM_170724.3).
Identifiers: ClinVar variation 3906757 (VCV003906757.1).